The following is an entry in ClinVar:

NM_004360.5(CDH1):c.1680G>C (p.Thr560=)

Gene: CDH1 (cadherin 1; plus strand). Cytogenetic location: 16q22.1.
Variant type: single nucleotide variant.
Coding change: c.1680G>C on transcript NM_004360.5 (MANE Select); coding-DNA position 1680, G replaced by C.
Protein change: p.Thr560=; no amino-acid change (threonine 560 retained).
Molecular consequence: synonymous variant. On other transcripts: intron variant (1).
Genome position (GRCh38, 1-based): chr16:68,819,394, G>C. VCF-style: chr16-68819394-G-C. GRCh37 (hg19) VCF-style: chr16-68853297-G-C.
Other names: p.T560T:ACG>ACC; c.1680G>C (LRG_301t1); c.1497G>C, p.Thr499= (NM_001317184.2); c.132G>C, p.Thr44= (NM_001317185.2); c.-254-2607G>C (NM_001317186.2).
Identifiers: ClinVar variation 136697 (VCV000136697.88), dbSNP rs35741240, ClinGen allele CA200825.
Genomic context (GRCh38, chr16:68,819,394, plus strand): 5'-TGCCATTTCCACTCGGGCTGAGCTGGACAGGGAGGATTTTGAGCACGTGAAGAACAGCAC[G>C]TACACAGCCCTAATCATAGCTACAGACAATGGTAAGGGGGCCTCATCTGAGCCTTTGCTG-3'
Protein context (NP_004351.1, residues 550-570): REDFEHVKNS[Thr560=]YTALIIATDN

ClinVar aggregate classification (germline): Benign/Likely benign. Review status: criteria provided, multiple submitters, no conflicts (2 of 4 stars). 30 submissions from 29 submitters: Benign (16); Likely benign (5). 9 of the submissions do not count toward it. Last evaluated 2026-07-01.

Conditions:
Breast and/or ovarian cancer. Identifiers: MedGen CN221562.
Hereditary cancer-predisposing syndrome. Also called: Neoplastic Syndromes, Hereditary; Tumor predisposition; Hereditary neoplastic syndrome; Hereditary Cancer Syndrome. Identifiers: Orphanet 140162, MedGen C0027672, MeSH D009386, MONDO:0015356.
Prostate cancer. Also called: Malignant tumor of prostate. Identifiers: Orphanet 1331, MedGen C0376358, MONDO:0008315, HP:0012125.
Hereditary diffuse gastric adenocarcinoma (HDGC). Also called: DIFFUSE GASTRIC AND LOBULAR BREAST CANCER SYNDROME. Identifiers: Orphanet 26106, MedGen C1708349, MONDO:0007648, OMIM 137215.

Allele frequency attached by ClinVar (database versions not stated): 1000 Genomes Project 30x 0.00172; 1000 Genomes Project 0.00180; ESP Exome Variant Server 0.00215; TOPMed 0.00236; gnomAD 0.00261; ExAC 0.00372.
gnomAD v4.1: 5,549 of 1,613,740 alleles (0.34%); highest among the groups gnomAD compares: South Asian, 0.69%; 26 homozygotes.

Submissions 1 to 24 of 30:

CeGaT Center for Human Genetics Tuebingen
Classification: Benign. Last evaluated: 2026-07-01. Review status: criteria provided, single submitter. Criteria: CeGaT Center For Human Genetics Tuebingen Variant Classification Criteria Version 2. Collection method: clinical testing. Allele origin: germline. Affected: yes. Observed: 33 variant alleles.
Comment: CDH1: BP4, BP7, BS1, BS2

Labcorp Genetics (formerly Invitae), Labcorp
Classification: Benign for Hereditary diffuse gastric adenocarcinoma. Last evaluated: 2026-02-04. Review status: criteria provided, single submitter. Criteria: Invitae Variant Classification Sherloc (09022015). Collection method: clinical testing. Allele origin: germline.

Center for Genomic Medicine, Rigshospitalet, Copenhagen University Hospital
Classification: Likely benign. Last evaluated: 2025-03-04. Review status: criteria provided, single submitter. Criteria: ACMG Guidelines, 2015. Collection method: clinical testing. Allele origin: germline.

KCCC/NGS Laboratory, Kuwait Cancer Control Center
Classification: Benign for Hereditary diffuse gastric adenocarcinoma. Last evaluated: 2025-02-01. Review status: criteria provided, single submitter. Criteria: ACMG Guidelines, 2015. Collection method: clinical testing. Allele origin: germline. Affected: no.

Blueprint Genetics
Classification: Likely benign. Last evaluated: 2024-11-26. Review status: criteria provided, single submitter. Criteria: ACMG Guidelines, 2015. Collection method: clinical testing. Allele origin: germline.

Myriad Genetics, Inc.
Classification: Benign for Hereditary diffuse gastric adenocarcinoma. Last evaluated: 2024-09-19. Review status: criteria provided, single submitter. Criteria: Myriad Autosomal Dominant, Autosomal Recessive and X-Linked Classification Criteria (2023). Collection method: clinical testing. Allele origin: unknown.
Comment: This variant is considered benign. This variant is a silent/synonymous amino acid change and it is not expected to impact splicing.

ARUP Laboratories, Molecular Genetics and Genomics, ARUP Laboratories
Classification: Benign. Last evaluated: 2024-07-29. Review status: criteria provided, single submitter. Criteria: ARUP Molecular Germline Variant Investigation Process 2024. Collection method: clinical testing. Allele origin: germline.

KCCC/NGS Laboratory, Kuwait Cancer Control Center
Classification: Benign for Familial prostate cancer. Last evaluated: 2023-07-07. Review status: criteria provided, single submitter. Criteria: ACMG Guidelines, 2015. Collection method: clinical testing. Allele origin: germline. Affected: yes.

CHEO Genetics Diagnostic Laboratory, Children's Hospital of Eastern Ontario
Classification: Benign for Breast and/or ovarian cancer. Last evaluated: 2023-06-12. Review status: criteria provided, single submitter. Criteria: ACMG Guidelines, 2015. Collection method: clinical testing. Allele origin: germline.

European Reference Network on Genetic Tumour Risk Syndromes (ERN-GENTURIS), i3s - Instituto de Investigação e Inovação em Saúde, University of Porto
Classification: Benign for Hereditary diffuse gastric adenocarcinoma. Last evaluated: 2022-08-01. Review status: criteria provided, single submitter. Criteria: Lee et al. (Hum Mutat. 2018). Collection method: clinical testing. Allele origin: germline. Inheritance: Autosomal dominant inheritance. Affected: no. Study: ERN GENTURIS.
Comment: BA1 (PMID: 30311375)

Genetic Services Laboratory, University of Chicago
Classification: Benign. Last evaluated: 2021-01-06. Review status: criteria provided, single submitter. Criteria: ACMG Guidelines, 2015. Collection method: clinical testing. Allele origin: germline. Affected: no.

Sema4
Classification: Benign for Hereditary cancer-predisposing syndrome. Last evaluated: 2020-08-10. Review status: criteria provided, single submitter. Criteria: Sema4 Curation Guidelines. Collection method: curation. Allele origin: germline.

Mendelics
Classification: Benign for Hereditary diffuse gastric adenocarcinoma. Last evaluated: 2019-05-28. Review status: criteria provided, single submitter. Criteria: Mendelics Assertion Criteria 2017. Collection method: clinical testing. Allele origin: unknown.

Illumina Laboratory Services, Illumina
Classification: Benign for Hereditary diffuse gastric adenocarcinoma. Last evaluated: 2018-01-12. Review status: criteria provided, single submitter. Criteria: ICSL Variant Classification Criteria 13 December 2019. Collection method: clinical testing. Allele origin: germline.
Comment: This variant was observed in the ICSL laboratory as part of a predisposition screen in an ostensibly healthy population. It had not been previously curated by ICSL or reported in the Human Gene Mutation Database (HGMD: prior to June 1st, 2018), and was therefore a candidate for classification through an automated scoring system. Utilizing variant allele frequency, disease prevalence and penetrance estimates, and inheritance mode, an automated score was calculated to assess if this variant is too frequent to cause the disease. Based on the score and internal cut-off values, a variant classified as benign is not then subjected to further curation. The score for this variant resulted in a classification of benign for this disease.

University of Washington Department of Laboratory Medicine, University of Washington
Classification: Likely benign for Hereditary diffuse gastric adenocarcinoma. Last evaluated: 2018-01-04. Review status: criteria provided, single submitter. Criteria: Shirts BH et al. (Genet Med 2016). Collection method: clinical testing. Allele origin: germline. Inheritance: Autosomal dominant inheritance. Affected: no.
Comment: CDH1 p.T560T (NM_004360.3:c.1680G>C) has been reported at a frequency of approximately 1 in 100 individuals of European ancestry. This variant frequency is too high to be consistent with the cancer risk syndrome seen with pathogenic CDH1 variants (Hansford 2015). This evidence supports classification of this variant as likely benign. A modest (less than 2 fold) increase in cancer risk due to this variant cannot be entirely excluded.

PreventionGenetics, part of Exact Sciences
Classification: Benign. Last evaluated: 2017-01-06. Review status: criteria provided, single submitter. Criteria: ACMG Guidelines, 2015. Collection method: clinical testing. Allele origin: germline.

Eurofins Ntd Llc (ga)
Classification: Benign. Last evaluated: 2015-06-02. Review status: criteria provided, single submitter. Criteria: EGL Classification Definitions 2015. Collection method: clinical testing. Allele origin: germline. Observed: 1 variant allele, 1 heterozygote.

Color Diagnostics, LLC DBA Color Health
Classification: Likely benign for Hereditary cancer-predisposing syndrome. Last evaluated: 2015-04-07. Review status: criteria provided, single submitter. Criteria: ACMG Guidelines, 2015. Collection method: clinical testing. Allele origin: germline.

Ambry Genetics
Classification: Benign for Hereditary cancer-predisposing syndrome. Last evaluated: 2014-08-15. Review status: criteria provided, single submitter. Criteria: Ambry Variant Classification Scheme 2023. Collection method: clinical testing. Allele origin: germline.

GeneDx
Classification: Benign. Last evaluated: 2013-12-13. Review status: criteria provided, single submitter. Criteria: GeneDx Variant Classification (06012015). Collection method: clinical testing. Allele origin: germline. Affected: yes.
Comment: This variant is considered likely benign or benign based on one or more of the following criteria: it is a conservative change, it occurs at a poorly conserved position in the protein, it is predicted to be benign by multiple in silico algorithms, and/or has population frequency not consistent with disease.

Breakthrough Genomics
Classification: Likely benign. Review status: criteria provided, single submitter. Criteria: ACMG Guidelines, 2015. Collection method: not provided. Allele origin: germline. Inheritance: Autosomal dominant inheritance. Affected: yes.

True Health Diagnostics
Classification: Likely benign for Hereditary cancer-predisposing syndrome. Last evaluated: 2018-04-26. Review status: no assertion criteria provided. Collection method: clinical testing. Allele origin: germline. Not counted in ClinVar's aggregate classification.

Clinical Genetics DNA and cytogenetics Diagnostics Lab, Erasmus MC, Erasmus Medical Center
Classification: Likely benign. Review status: no assertion criteria provided. Collection method: clinical testing. Allele origin: germline. Affected: yes. Study: VKGL Data-share Consensus. Not counted in ClinVar's aggregate classification.

Clinical Genetics, Academic Medical Center
Classification: Likely benign. Review status: no assertion criteria provided. Collection method: clinical testing. Allele origin: germline. Affected: yes. Study: VKGL Data-share Consensus. Not counted in ClinVar's aggregate classification.